The following is an entry in ClinVar:

NM_017617.5(NOTCH1):c.3667G>T (p.Asp1223Tyr)

Gene: NOTCH1 (notch receptor 1; minus strand). Cytogenetic location: 9q34.3.
Variant type: single nucleotide variant.
Coding change: c.3667G>T on transcript NM_017617.5 (MANE Select); coding-DNA position 3667, G replaced by T.
Protein change: p.Asp1223Tyr; replaces aspartic acid 1223 with tyrosine.
Molecular consequence: missense variant.
Genome position (GRCh38, 1-based): chr9:136,506,950, C>A on the plus strand (G>T on the coding strand, the complement: NOTCH1 is on the minus strand). VCF-style: chr9-136506950-C-A. GRCh37 (hg19) VCF-style: chr9-139401402-C-A.
Other names: c.3667G>T (NM_017617.3); short protein forms D1223Y.
Identifiers: ClinVar variation 2912618 (VCV002912618.4), dbSNP rs373064962, ClinGen allele CA375549597.

ClinVar aggregate classification (germline): Uncertain significance. Review status: criteria provided, multiple submitters, no conflicts (2 of 4 stars). 2 submissions from 2 submitters: Uncertain significance (2). Last evaluated 2025-12-30.

Conditions:
Familial thoracic aortic aneurysm and aortic dissection (TAAD). Also called: Thoracic aortic aneurysms and dissections. Identifiers: Orphanet 91387, MedGen C4707243, MONDO:0019625.
Adams-Oliver syndrome 5 (AOS5). Identifiers: Orphanet 974, MedGen C4014970, MONDO:0014459, OMIM 616028.

gnomAD v4.1: 2 of 1,609,726 alleles (0.00012%); highest among the groups gnomAD compares: Non-Finnish European, 0.00017%; no homozygotes.

Submissions (2):

Labcorp Genetics (formerly Invitae), Labcorp
Classification: Uncertain significance for Adams-Oliver syndrome 5. Last evaluated: 2025-12-30. Review status: criteria provided, single submitter. Criteria: Invitae Variant Classification Sherloc (09022015). Collection method: clinical testing. Allele origin: germline.
Comment: This sequence change replaces aspartic acid, which is acidic and polar, with tyrosine, which is neutral and polar, at codon 1223 of the NOTCH1 protein (p.Asp1223Tyr). This variant is not present in population databases (gnomAD no frequency). This variant has not been reported in the literature in individuals affected with NOTCH1-related conditions. ClinVar contains an entry for this variant (Variation ID: 2912618). An algorithm developed to predict the effect of missense changes on protein structure and function (PolyPhen-2) suggests that this variant is likely to be disruptive. In summary, the available evidence is currently insufficient to determine the role of this variant in disease. Therefore, it has been classified as a Variant of Uncertain Significance.

Ambry Genetics
Classification: Uncertain significance for Familial thoracic aortic aneurysm and aortic dissection. Last evaluated: 2025-06-28. Review status: criteria provided, single submitter. Criteria: Ambry Variant Classification Scheme 2023. Collection method: clinical testing. Allele origin: germline.
Comment: The p.D1223Y variant (also known as c.3667G>T), located in coding exon 23 of the NOTCH1 gene, results from a G to T substitution at nucleotide position 3667. The aspartic acid at codon 1223 is replaced by tyrosine, an amino acid with highly dissimilar properties. This amino acid position is conserved. In addition, this alteration is predicted to be deleterious by in silico analysis. Based on the available evidence, the clinical significance of this variant remains unclear.